The following is an entry in ClinVar:

ClinVar aggregate classification (germline): Uncertain significance (1 of 4 stars; one submission).

Submission:

Dasa
Classification: Uncertain significance. Last evaluated: 2025-11-21. Review status: criteria provided, single submitter. Criteria: DASA Assertion Criteria. Collection method: clinical testing. Allele origin: germline.
Comment: NM_000202.8(IDS):c.986T>C (p.Ile329Thr) is a missense variant that results in the substitution of isoleucine with threonine. The affected residue or protein region has prior evidence supporting clinical relevance. This variant is rare in population databases. Computational prediction algorithms are consistent with a deleterious effect. The currently available literature and clinical evidence are not sufficient to establish a definitive association between this variant and the reported condition. Therefore, this variant is classified as a variant of uncertain significance.

NM_000202.8(IDS):c.986T>C (p.Ile329Thr)

Genes: IDS (iduronate 2-sulfatase; minus strand), LOC106050102 (IDS recombination region; plus strand). Cytogenetic location: Xq28.
Variant type: single nucleotide variant.
Coding change: c.986T>C on transcript NM_000202.8 (MANE Select); coding-DNA position 986, T replaced by C.
Protein change: p.Ile329Thr; replaces isoleucine 329 with threonine.
Molecular consequence: missense variant. On other transcripts: non-coding transcript variant (1).
Genome position (GRCh38, 1-based): chrX:149,490,334, A>G on the plus strand (T>C on the coding strand, the complement: IDS is on the minus strand). VCF-style: chrX-149490334-A-G. GRCh37 (hg19) VCF-style: chrX-148571865-A-G.
Other names: c.716T>C, p.Ile239Thr (NM_001166550.4); c.986T>C, p.Ile329Thr (NM_006123.5); short protein forms I239T, I329T.
Identifiers: ClinVar variation 4882257 (VCV004882257.2).